The following is an entry in ClinVar:

NM_012123.4(MTO1):c.526G>A (p.Val176Ile)

Gene: MTO1 (mitochondrial tRNA translation optimization 1; plus strand). Cytogenetic location: 6q13.
Variant type: single nucleotide variant.
Coding change: c.526G>A on transcript NM_012123.4 (MANE Select); coding-DNA position 526, G replaced by A.
Protein change: p.Val176Ile; replaces valine 176 with isoleucine.
Molecular consequence: missense variant.
Genome position (GRCh38, 1-based): chr6:73,466,597, G>A. VCF-style: chr6-73466597-G-A. GRCh37 (hg19) VCF-style: chr6-74176320-G-A.
Other names: c.526G>A, p.Val176Ile (NM_001123226.2, NM_133645.3); short protein forms V176I.
Identifiers: ClinVar variation 1349497 (VCV001349497.5), dbSNP rs1009189949, ClinGen allele CA364713131.

ClinVar aggregate classification (germline): Uncertain significance (1 of 4 stars; one submission).

Conditions:
Mitochondrial hypertrophic cardiomyopathy with lactic acidosis due to MTO1 deficiency. Also called: CARDIOMYOPATHY, INFANTILE HYPERTROPHIC MITOCHONDRIAL, AND LACTIC ACIDOSIS; Combined oxidative phosphorylation deficiency 10. Identifiers: Orphanet 314637, MedGen C4749921, MONDO:0013865, OMIM 614702.

Allele frequency attached by ClinVar (database versions not stated): gnomAD exomes 0.00001.
gnomAD v4.1: 31 of 1,613,380 alleles (0.0019%); highest among the groups gnomAD compares: Non-Finnish European, 0.0024%; no homozygotes.

Submission:

Labcorp Genetics (formerly Invitae), Labcorp
Classification: Uncertain significance for Mitochondrial hypertrophic cardiomyopathy with lactic acidosis due to MTO1 deficiency. Last evaluated: 2021-08-20. Review status: criteria provided, single submitter. Criteria: Invitae Variant Classification Sherloc (09022015). Collection method: clinical testing. Allele origin: germline.
Comment: This sequence change replaces valine with isoleucine at codon 176 of the MTO1 protein (p.Val176Ile). The valine residue is moderately conserved and there is a small physicochemical difference between valine and isoleucine. This variant is not present in population databases (ExAC no frequency). This variant has not been reported in the literature in individuals affected with MTO1-related conditions. Algorithms developed to predict the effect of missense changes on protein structure and function (SIFT, PolyPhen-2, Align-GVGD) all suggest that this variant is likely to be tolerated. In summary, the available evidence is currently insufficient to determine the role of this variant in disease. Therefore, it has been classified as a Variant of Uncertain Significance.